The following is an entry in ClinVar:

ClinVar aggregate classification (germline): Uncertain significance (1 of 4 stars; one submission).

Conditions:
Combined immunodeficiency due to partial RAG1 deficiency. Identifiers: Orphanet 231154, MedGen C1835931, MONDO:0012359, OMIM 609889.

gnomAD v4.1: 8 of 1,614,220 alleles (0.0005%); highest among the groups gnomAD compares: Non-Finnish European, 0.00059%; no homozygotes.

Submission:

Dasa
Classification: Uncertain significance for Combined immunodeficiency due to partial RAG1 deficiency. Last evaluated: 2025-04-02. Review status: criteria provided, single submitter. Criteria: DASA Assertion Criteria. Collection method: clinical testing. Allele origin: germline.
Comment: NM_000448.3(RAG1):c.2222C>T (p.Ser741Phe) is a missense variant that results in the substitution of serine with phenylalanine. This variant is rare in population databases. Computational prediction algorithms are consistent with a deleterious effect. The currently available literature and clinical evidence are not sufficient to establish a definitive association between this variant and the reported condition. Therefore, this variant is classified as a variant of uncertain significance.

NM_000448.3(RAG1):c.2222C>T (p.Ser741Phe)

Gene: RAG1 (recombination activating 1; plus strand). Cytogenetic location: 11p12.
Variant type: single nucleotide variant.
Coding change: c.2222C>T on transcript NM_000448.3 (MANE Select); coding-DNA position 2222, C replaced by T.
Protein change: p.Ser741Phe; replaces serine 741 with phenylalanine.
Molecular consequence: missense variant.
Genome position (GRCh38, 1-based): chr11:36,575,526, C>T. VCF-style: chr11-36575526-C-T. GRCh37 (hg19) VCF-style: chr11-36597076-C-T.
Other names: c.2222C>T, p.Ser741Phe (NM_001377278.1, NM_001377279.1, NM_001377280.1 and 3 more transcripts); short protein forms S741F.
Identifiers: ClinVar variation 4882646 (VCV004882646.2).